The following is an entry in ClinVar:

NM_001164508.2(NEB):c.19978A>G (p.Thr6660Ala)

Gene: NEB (nebulin; minus strand). Cytogenetic location: 2q23.3.
Variant type: single nucleotide variant.
Coding change: c.19978A>G on transcript NM_001164508.2 (MANE Select); coding-DNA position 19978, A replaced by G.
Protein change: p.Thr6660Ala; replaces threonine 6660 with alanine.
Molecular consequence: missense variant.
Genome position (GRCh38, 1-based): chr2:151,549,707, T>C on the plus strand (A>G on the coding strand, the complement: NEB is on the minus strand). VCF-style: chr2-151549707-T-C. GRCh37 (hg19) VCF-style: chr2-152406221-T-C.
Other names: c.19978A>G, p.Thr6660Ala (NM_001164507.2, NM_001271208.2); c.14875A>G, p.Thr4959Ala (NM_004543.5); short protein forms T4959A, T6660A.
Identifiers: ClinVar variation 838600 (VCV000838600.6), dbSNP rs1027633106, ClinGen allele CA57645200.

ClinVar aggregate classification (germline): Uncertain significance (1 of 4 stars; one submission).

Conditions:
Nemaline myopathy 2 (NEM2). Also called: Nemaline myopathy 2, autosomal recessive. Identifiers: MedGen C1850569, MONDO:0009725, OMIM 256030.

Allele frequency attached by ClinVar (database versions not stated): gnomAD exomes below 0.00001; gnomAD 0.00002; TOPMed 0.00002.
gnomAD v4.1: 4 of 1,597,060 alleles (0.00025%); highest among the groups gnomAD compares: Non-Finnish European, 0.000085%; no homozygotes.

Submission:

Labcorp Genetics (formerly Invitae), Labcorp
Classification: Uncertain significance for Nemaline myopathy 2. Last evaluated: 2021-08-31. Review status: criteria provided, single submitter. Criteria: Invitae Variant Classification Sherloc (09022015). Collection method: clinical testing. Allele origin: germline.
Comment: This sequence change replaces threonine with alanine at codon 6660 of the NEB protein (p.Thr6660Ala). The threonine residue is moderately conserved and there is a small physicochemical difference between threonine and alanine. This variant is not present in population databases (ExAC no frequency). This variant has not been reported in the literature in individuals affected with NEB-related conditions. Algorithms developed to predict the effect of missense changes on protein structure and function are either unavailable or do not agree on the potential impact of this missense change (SIFT: "Deleterious"; PolyPhen-2: "Not Available"; Align-GVGD: "Class C0"). In summary, the available evidence is currently insufficient to determine the role of this variant in disease. Therefore, it has been classified as a Variant of Uncertain Significance.